The following is an entry in ClinVar:

ClinVar aggregate classification (germline): Likely pathogenic. Review status: criteria provided, single submitter (1 of 4 stars). 2 submissions from 2 submitters: Likely pathogenic (1). 1 of the submissions does not count toward it. Last evaluated 2025-10-14.

Conditions:
Galactosylceramide beta-galactosidase deficiency. Also called: Leukodystrophy, Globoid Cell; Krabbe Disease; GALACTOCEREBROSIDASE DEFICIENCY; GALC DEFICIENCY; GLOBOID CELL LEUKOENCEPHALOPATHY. Identifiers: Orphanet 487, MedGen C0023521, MONDO:0009499, OMIM 245200.

Submissions (2):

Labcorp Genetics (formerly Invitae), Labcorp
Classification: Likely pathogenic for Galactosylceramide beta-galactosidase deficiency. Last evaluated: 2025-10-14. Review status: criteria provided, single submitter. Criteria: Invitae Variant Classification Sherloc (09022015). Collection method: clinical testing. Allele origin: germline.
Comment: This variant results in the deletion of part of exon 1 (c.190_195+9del) of the GALC gene. It is expected to disrupt RNA splicing. Variants that disrupt the donor or acceptor splice site typically lead to a loss of protein function (PMID: 16199547), and loss-of-function variants in GALC are known to be pathogenic (PMID: 7437911, 9272171, 16607461). This variant is present in population databases (no rsID available, gnomAD 0.01%). This variant has not been reported in the literature in individuals affected with GALC-related conditions. ClinVar contains an entry for this variant (Variation ID: 371332). In summary, the currently available evidence indicates that the variant is pathogenic, but additional data are needed to prove that conclusively. Therefore, this variant has been classified as Likely Pathogenic.

Counsyl
Classification: Likely pathogenic for Galactosylceramide beta-galactosidase deficiency. Last evaluated: 2016-08-31. Review status: no assertion criteria provided. Collection method: clinical testing. Allele origin: unknown. Not counted in ClinVar's aggregate classification.

Literature cited by the submitters: PubMed 16199547 (cited by Labcorp Genetics (formerly Invitae), Labcorp); PubMed 7437911 (cited by Labcorp Genetics (formerly Invitae), Labcorp); PubMed 9272171 (cited by Labcorp Genetics (formerly Invitae), Labcorp); PubMed 16607461 (cited by Labcorp Genetics (formerly Invitae), Labcorp).

NM_000153.4(GALC):c.190_195+9del

Genes: GALC (galactosylceramidase; minus strand), LOC130056217 (ATAC-STARR-seq lymphoblastoid silent region 5988; plus strand). Cytogenetic location: 14q31.3.
Variant type: Deletion.
Coding change: c.190_195+9del on transcript NM_000153.4 (MANE Select); coding-DNA position 190 through 9 bases into the intron after coding-DNA position 195, 15 bases deleted (GGCGGGGTGAGCGGC).
Molecular consequence: splice donor variant. On other transcripts: intron variant (1).
Genome position (GRCh38, 1-based): chr14:87,992,961-87,992,975, GCCGCTCACCCCGCC deleted on the plus strand (GGCGGGGTGAGCGGC on the coding strand, the reverse complement: GALC is on the minus strand); deleting any 15 consecutive bases within chr14:87,992,961-87,992,981 gives the same sequence; the c. name uses the placement nearest the transcript's 3' end. VCF-style (leftmost placement, unchanged base first): chr14-87992960-TGCCGCTCACCCCGCC-T. GRCh37 (hg19) VCF-style: chr14-88459304-TGCCGCTCACCCCGCC-T.
Other names: c.117+408_117+422del (NM_001201402.2); c.190_195+9del (NM_001201401.2).
Identifiers: ClinVar variation 371332 (VCV000371332.6), dbSNP rs1057517187, ClinGen allele CA16041706.